The following is an entry in ClinVar:

ClinVar aggregate classification (germline): Uncertain significance (1 of 4 stars; one submission).

Allele frequency attached by ClinVar (database versions not stated): gnomAD exomes below 0.00001; TOPMed below 0.00001.
gnomAD v4.1: 3 of 1,613,614 alleles (0.00019%); highest among the groups gnomAD compares: Non-Finnish European, 0.00017%; no homozygotes.

Submission:

Ambry Genetics
Classification: Uncertain significance. Last evaluated: 2024-07-18. Review status: criteria provided, single submitter. Criteria: Ambry Variant Classification Scheme 2023. Collection method: clinical testing. Allele origin: germline.
Comment: The p.V1133L variant (also known as c.3397G>C), located in coding exon 3 of the MLH3 gene, results from a G to C substitution at nucleotide position 3397. The valine at codon 1133 is replaced by leucine, an amino acid with highly similar properties. This amino acid position is conserved. In addition, this alteration is predicted to be tolerated by in silico analysis. Since supporting evidence is limited at this time, the clinical significance of this alteration remains unclear.

NM_001040108.2(MLH3):c.3397G>C (p.Val1133Leu)

Gene: MLH3 (mutL homolog 3; minus strand). Cytogenetic location: 14q24.3.
Variant type: single nucleotide variant.
Coding change: c.3397G>C on transcript NM_001040108.2 (MANE Select); coding-DNA position 3397, G replaced by C.
Protein change: p.Val1133Leu; replaces valine 1133 with leucine.
Molecular consequence: missense variant.
Genome position (GRCh38, 1-based): chr14:75,041,683, C>G on the plus strand (G>C on the coding strand, the complement: MLH3 is on the minus strand). VCF-style: chr14-75041683-C-G. GRCh37 (hg19) VCF-style: chr14-75508386-C-G.
Other names: c.3397G>C, p.Val1133Leu (NM_014381.3); short protein forms V1133L.
Identifiers: ClinVar variation 1730954 (VCV001730954.3), dbSNP rs1198072360, ClinGen allele CA390431081.